The following is an entry in ClinVar:

ClinVar aggregate classification (germline): Uncertain significance (1 of 4 stars; one submission).

Conditions:
Hereditary cancer-predisposing syndrome. Also called: Neoplastic Syndromes, Hereditary; Tumor predisposition; Hereditary neoplastic syndrome; Hereditary Cancer Syndrome. Identifiers: Orphanet 140162, MedGen C0027672, MeSH D009386, MONDO:0015356.

Submission:

Ambry Genetics
Classification: Uncertain significance for Hereditary cancer-predisposing syndrome. Last evaluated: 2026-06-30. Review status: criteria provided, single submitter. Criteria: Ambry Variant Classification Scheme 2023. Collection method: clinical testing. Allele origin: germline.
Comment: The c.2869delTinsATTC variant (also known as p.G956_L957insI), located in coding exon 25 of the TSC2 gene, results from an in-frame deletion of T and insertion of ATTC at nucleotide positions 2869 to 2869. This results in the insertion of an isoleucine residue between codons 956 and 957, an amino acid with highly similar properties. This amino acid region is well conserved in available vertebrate species. In addition, this variant is predicted to be neutral by in silico analysis (Choi Y et al. PLoS ONE. 2012; 7(10):e46688). Based on the available evidence, the clinical significance of this variant remains unclear.

NM_000548.5(TSC2):c.2869delinsATTC (p.Gly956_Leu957insIle)

Gene: TSC2 (TSC complex subunit 2; plus strand). Cytogenetic location: 16p13.3.
Variant type: Indel.
Coding change: c.2869delinsATTC on transcript NM_000548.5 (MANE Select); coding-DNA position 2869, T replaced by ATTC.
Protein change: p.Gly956_Leu957insIle.
Molecular consequence: intron variant (on NM_001406693.1).
Genome position (GRCh38, 1-based): chr16:2,077,629, T replaced by ATTC. VCF-style: chr16-2077629-T-ATTC. GRCh37 (hg19) VCF-style: chr16-2127630-T-ATTC.
Other names: c.2869delinsATTC, p.Gly956_Leu957insIle (NM_001114382.3, NM_001406663.1, NM_001406664.1); c.2758delinsATTC, p.Gly919_Leu920insIle (NM_001406670.1); c.2722delinsATTC, p.Gly907_Leu908insIle (NM_001406675.1, NM_001406676.1); c.2269delinsATTC, p.Gly756_Leu757insIle (NM_001406680.1, NM_001406682.1, NM_001406683.1 and 1 more transcripts); c.1525delinsATTC, p.Gly508_Leu509insIle (NM_001406689.1); c.1493+1044delinsATTC (NM_001406693.1, NM_001406690.1, NM_001406692.1 and 5 more transcripts); c.2927+1044delinsATTC (NM_001406667.1, NM_001406668.1); c.2237+1044delinsATTC (NM_001406687.1, NM_001406685.1, NM_001318831.2 and 2 more transcripts); and 8 more.
Identifiers: ClinVar variation 5031306 (VCV005031306.1).
Genomic context (GRCh38, chr16:2,077,629, plus strand): 5'-GGCGTTGGGGCTCCTTCCTCACCCGATAGTCTGAGGATAGCCAGACCCCCCAAACAAGGC[T>ATTC]TGAATAACTCTCCACCCGTGAAAGAATTCAAGGAGAGCTCTGCAGCCGAGGCCTTCCGGT-3'